The following is an entry in ClinVar:

NM_018896.5(CACNA1G):c.478G>A (p.Val160Ile)

Gene: CACNA1G (calcium voltage-gated channel subunit alpha1 G; plus strand). Cytogenetic location: 17q21.33.
Variant type: single nucleotide variant.
Coding change: c.478G>A on transcript NM_018896.5 (MANE Select); coding-DNA position 478, G replaced by A.
Protein change: p.Val160Ile; replaces valine 160 with isoleucine.
Molecular consequence: missense variant. On other transcripts: non-coding transcript variant (5).
Genome position (GRCh38, 1-based): chr17:50,569,288, G>A. VCF-style: chr17-50569288-G-A. GRCh37 (hg19) VCF-style: chr17-48646649-G-A.
Other names: c.478G>A, p.Val160Ile (NM_001256324.2, NM_001256325.2, NM_001256326.2 and 24 more transcripts); short protein forms V160I.
Identifiers: ClinVar variation 2398848 (VCV002398848.4), dbSNP rs184328705, ClinGen allele CA8651956.

ClinVar aggregate classification (germline): Conflicting classifications of pathogenicity. Review status: criteria provided, conflicting classifications (1 of 4 stars). 2 submissions from 2 submitters: Uncertain significance (1); Likely benign (1). Last evaluated 2024-05-21.

Conditions:
Inborn genetic diseases. Identifiers: MedGen C0950123, MeSH D030342.

Allele frequency attached by ClinVar (database versions not stated): gnomAD exomes 0.00004; gnomAD 0.00005; ExAC 0.00006; 1000 Genomes Project 30x 0.00016.
gnomAD v4.1: 75 of 1,613,610 alleles (0.0046%); highest among the groups gnomAD compares: Non-Finnish European, 0.0054%; no homozygotes.

Submissions (2):

Labcorp Genetics (formerly Invitae), Labcorp
Classification: Uncertain significance. Last evaluated: 2024-05-21. Review status: criteria provided, single submitter. Criteria: Invitae Variant Classification Sherloc (09022015). Collection method: clinical testing. Allele origin: germline.
Comment: This sequence change replaces valine, which is neutral and non-polar, with isoleucine, which is neutral and non-polar, at codon 160 of the CACNA1G protein (p.Val160Ile). This variant is present in population databases (rs184328705, gnomAD 0.007%), and has an allele count higher than expected for a pathogenic variant. This variant has not been reported in the literature in individuals affected with CACNA1G-related conditions. ClinVar contains an entry for this variant (Variation ID: 2398848). Advanced modeling of protein sequence and biophysical properties (such as structural, functional, and spatial information, amino acid conservation, physicochemical variation, residue mobility, and thermodynamic stability) has been performed at Invitae for this missense variant, however the output from this modeling did not meet the statistical confidence thresholds required to predict the impact of this variant on CACNA1G protein function. In summary, the available evidence is currently insufficient to determine the role of this variant in disease. Therefore, it has been classified as a Variant of Uncertain Significance.

Ambry Genetics
Classification: Likely benign for Inborn genetic diseases. Last evaluated: 2022-11-08. Review status: criteria provided, single submitter. Criteria: Ambry Variant Classification Scheme 2023. Collection method: clinical testing. Allele origin: germline.